The following is an entry in ClinVar:

NM_007294.4(BRCA1):c.1598A>G (p.Asn533Ser)

Gene: BRCA1 (BRCA1 DNA repair associated; minus strand). Cytogenetic location: 17q21.31.
Variant type: single nucleotide variant.
Coding change: c.1598A>G on transcript NM_007294.4 (MANE Select); coding-DNA position 1598, A replaced by G.
Protein change: p.Asn533Ser; replaces asparagine 533 with serine.
Molecular consequence: missense variant. On other transcripts: intron variant (137).
Genome position (GRCh38, 1-based): chr17:43,093,933, T>C on the plus strand (A>G on the coding strand, the complement: BRCA1 is on the minus strand). VCF-style: chr17-43093933-T-C. GRCh37 (hg19) VCF-style: chr17-41245950-T-C.
Other names: c.646+811A>G (NM_001408469.1, NM_001408453.1, NM_001408461.1 and 11 more transcripts); c.784+811A>G (NM_001408397.1, NM_001408401.1, NM_001408396.1 and 13 more transcripts); c.664+811A>G (NM_001408436.1, NM_001408444.1, NM_001408438.1 and 12 more transcripts); c.787+811A>G (NM_001407980.1, NM_001407993.1, NM_001407976.1 and 19 more transcripts); c.652+811A>G (NM_001408451.1); c.643+811A>G (NM_001408464.1, NM_001408468.1, NM_001408465.1 and 3 more transcripts); c.523+811A>G (NM_001408498.1, NM_001408501.1, NM_001408500.1 and 3 more transcripts); c.583+811A>G (NM_001408475.1); and 40 more; short protein forms N533S, N486S, N421S, N444S, N485S, N532S, N365S, N445S.
Identifiers: ClinVar variation 188408 (VCV000188408.13), dbSNP rs786204263, ClinGen allele CA001061.
Genomic context (GRCh38, chr17:43,093,933, plus strand): 5'-TGACCACTATTAGTAATATTCATCACTTGACCATTCTGCTCCGTTTGGTTAGTTCCCTGA[T>C]TTATCATTTCAGGAGTCTTTTGAACTGCCAAATCTGCTTTCTTGATAAAATCCTCAGGAT-3'
Protein context (NP_009225.1, residues 523-543): LAVQKTPEMI[Asn533Ser]QGTNQTEQNG

ClinVar aggregate classification (germline): Conflicting classifications of pathogenicity. Review status: criteria provided, conflicting classifications (1 of 4 stars). 2 submissions from 2 submitters: Uncertain significance (1); Likely benign (1). Last evaluated 2024-08-24.

Conditions:
Hereditary cancer-predisposing syndrome. Also called: Hereditary Cancer Syndrome; Neoplastic Syndromes, Hereditary; Hereditary neoplastic syndrome; Tumor predisposition. Identifiers: Orphanet 140162, MedGen C0027672, MeSH D009386, MONDO:0015356.
Hereditary breast ovarian cancer syndrome. Also called: Breast and ovarian cancer; Hereditary breast and ovarian cancer syndrome; Hereditary breast and/or ovarian cancer syndrome; BRCA1- and BRCA2-Associated Hereditary Breast and Ovarian Cancer; Hereditary breast and ovarian cancer; Hereditary breast and ovarian cancer syndrome (HBOC). Identifiers: Orphanet 145, MedGen C0677776, MeSH D061325, MONDO:0003582. Disease mechanism: loss of function.

Allele frequency attached by ClinVar (database versions not stated): gnomAD exomes 0.00001.
gnomAD v4.1: 6 of 1,613,946 alleles (0.00037%); highest among the groups gnomAD compares: Non-Finnish European, 0.00051%; no homozygotes.

Submissions (2):

Labcorp Genetics (formerly Invitae), Labcorp
Classification: Uncertain significance for Hereditary breast ovarian cancer syndrome. Last evaluated: 2024-08-24. Review status: criteria provided, single submitter. Criteria: Invitae Variant Classification Sherloc (09022015). Collection method: clinical testing. Allele origin: germline.
Comment: This sequence change replaces asparagine, which is neutral and polar, with serine, which is neutral and polar, at codon 533 of the BRCA1 protein (p.Asn533Ser). This variant is not present in population databases (gnomAD no frequency). This variant has not been reported in the literature in individuals affected with BRCA1-related conditions. ClinVar contains an entry for this variant (Variation ID: 188408). Invitae Evidence Modeling of protein sequence and biophysical properties (such as structural, functional, and spatial information, amino acid conservation, physicochemical variation, residue mobility, and thermodynamic stability) indicates that this missense variant is not expected to disrupt BRCA1 protein function with a negative predictive value of 95%. In summary, the available evidence is currently insufficient to determine the role of this variant in disease. Therefore, it has been classified as a Variant of Uncertain Significance.

University of Washington Department of Laboratory Medicine, University of Washington
Classification: Likely benign for Hereditary cancer-predisposing syndrome. Last evaluated: 2023-03-23. Review status: criteria provided, single submitter. Criteria: Dines et al. (Genet Med. 2020). Collection method: curation. Allele origin: germline.
Comment: Missense variant in a coldspot region where missense variants are very unlikely to be pathogenic (PMID:31911673).

BRCA1 coldspot (exon 11 using historical exon numbering). Reclassification based on statistical prior probability